The following is an entry in ClinVar:

ClinVar aggregate classification (germline): Pathogenic (1 of 4 stars; one submission).

Conditions:
Familial cylindromatosis. Also called: ANCELL-SPIEGLER CYLINDROMAS; Turban tumor syndrome. Identifiers: Orphanet 211, Orphanet 79493, MedGen C1851526, MONDO:0007565, OMIM 132700.

Submission:

Genomic Diagnostic Laboratory, Division of Genomic Diagnostics, Children's Hospital of Philadelphia
Classification: Pathogenic for Cylindromatosis, familial. Last evaluated: 2016-09-23. Review status: criteria provided, single submitter. Criteria: DGD Variant Analysis Guidelines. Collection method: clinical testing. Allele origin: germline. Affected: yes. Observed: 1 variant allele.
Comment: Clinical Testing

NM_001378743.1(CYLD):c.2390_2391del (p.Met796_Tyr797insTer)

Genes: CYLD-AS2 (CYLD antisense RNA 2; minus strand), CYLD (CYLD lysine 63 deubiquitinase; plus strand). Cytogenetic location: 16q12.1.
Variant type: Deletion.
Coding change: c.2390_2391del on transcript NM_001378743.1 (MANE Select); coding-DNA positions 2390 to 2391, 2 bases deleted (AT; older notation c.2390_2391delAT).
Protein change: p.Met796_Tyr797insTer.
Molecular consequence: nonsense. On other transcripts: non-coding transcript variant (1).
Genome position (GRCh38, 1-based): chr16:50,793,585-50,793,586, AT deleted; deleting any 2 consecutive bases within chr16:50,793,584-50,793,586 gives the same sequence; the c. name uses the placement nearest the transcript's 3' end. VCF-style (leftmost placement, unchanged base first): chr16-50793583-GTA-G. GRCh37 (hg19) VCF-style: chr16-50827494-GTA-G.
Other names: c.2381_2382del, p.Met793_Tyr794insTer (NM_001042355.2, NM_001042412.3, NM_001378744.1 and 6 more transcripts); c.2351_2352del, p.Met783_Tyr784insTer (NM_001378751.1, NM_001378752.1, NM_001378753.1); c.1715_1716del, p.Met571_Tyr572insTer (NM_001378754.1, NM_001378755.1); c.2390_2391del, p.Met796_Tyr797insTer (NM_015247.3); c.2390_2391delAT (NM_015247.2).
Identifiers: ClinVar variation 267252 (VCV000267252.1), dbSNP rs886040891, ClinGen allele CA10590089.
Genomic context (GRCh38, chr16:50,793,583, plus strand): 5'-CCCTTCCCCTTCTCACATTTCAGCTCCCAGACAGTGCCGGATATGTGGAGGGCTTGCAAT[GTA>G]TGAGTGTAGAGAATGCTACGACGATCCGGACATCTCAGCTGGAAAAATCAAGCAGTTTTG-3'